The following is an entry in ClinVar:

NM_020702.5(MYORG):c.1718_1721dup (p.Ile575fs)

Gene: MYORG (myogenesis regulating glycosidase; minus strand). Cytogenetic location: 9p13.3.
Variant type: Duplication.
Coding change: c.1718_1721dup on transcript NM_020702.5 (MANE Select); coding-DNA positions 1718 to 1721, 4 bases duplicated (TCTA; older notation c.1718_1721dupTCTA).
Protein change: p.Ile575fs; shifts the reading frame from isoleucine 575.
Molecular consequence: frameshift variant.
Genome position (GRCh38, 1-based): chr9:34,371,223-34,371,226, TAGA duplicated on the plus strand (TCTA on the coding strand, the reverse complement: MYORG is on the minus strand). VCF-style (leftmost placement, unchanged base first): chr9-34371222-G-GTAGA. GRCh37 (hg19) VCF-style: chr9-34371220-G-GTAGA.
Other names: short protein forms I575fs.
Identifiers: ClinVar variation 3388986 (VCV003388986.16).

ClinVar aggregate classification (germline): Pathogenic/Likely pathogenic. Review status: criteria provided, multiple submitters, no conflicts (2 of 4 stars). 2 submissions from 2 submitters: Pathogenic (1); Likely pathogenic (1). Last evaluated 2026-02-01.

Submissions (2):

CeGaT Center for Human Genetics Tuebingen
Classification: Likely pathogenic. Last evaluated: 2026-02-01. Review status: criteria provided, single submitter. Criteria: CeGaT Center For Human Genetics Tuebingen Variant Classification Criteria Version 2. Collection method: clinical testing. Allele origin: germline. Affected: yes. Observed: 1 variant allele.
Comment: MYORG: PVS1:Strong, PM2

Labcorp Genetics (formerly Invitae), Labcorp
Classification: Pathogenic. Last evaluated: 2024-03-02. Review status: criteria provided, single submitter. Criteria: Invitae Variant Classification Sherloc (09022015). Collection method: clinical testing. Allele origin: germline.
Comment: This sequence change creates a premature translational stop signal (p.Ile575Leufs*48) in the KIAA1161 gene. While this is not anticipated to result in nonsense mediated decay, it is expected to disrupt the last 140 amino acid(s) of the KIAA1161 protein. This variant is not present in population databases (gnomAD no frequency). This variant has not been reported in the literature in individuals affected with KIAA1161-related conditions. This variant disrupts a region of the KIAA1161 protein in which other variant(s) (p.Ile656Thr)) have been determined to be pathogenic (PMID: 30649222, 31009047, 31951047, 32211515). This suggests that this is a clinically significant region of the protein, and that variants that disrupt it are likely to be disease-causing. For these reasons, this variant has been classified as Pathogenic.

Literature cited by the submitters: PubMed 30649222 (cited by Labcorp Genetics (formerly Invitae), Labcorp); PubMed 31009047 (cited by Labcorp Genetics (formerly Invitae), Labcorp); PubMed 31951047 (cited by Labcorp Genetics (formerly Invitae), Labcorp); PubMed 32211515 (cited by Labcorp Genetics (formerly Invitae), Labcorp).